The following is an entry in ClinVar:

ClinVar aggregate classification (germline): Likely benign. Review status: criteria provided, multiple submitters, no conflicts (2 of 4 stars). 3 submissions from 3 submitters: Likely benign (3). Last evaluated 2025-09-21.

Conditions:
Inborn genetic diseases. Identifiers: MedGen C0950123, MeSH D030342.

Allele frequency attached by ClinVar (database versions not stated): ExAC 0.00001; gnomAD exomes 0.00002; TOPMed 0.00003; gnomAD 0.00004 and 0.00008; 1000 Genomes Project 30x 0.00016; 1000 Genomes Project 0.00020.
gnomAD v4.1: 60 of 1,613,734 alleles (0.0037%); highest among the groups gnomAD compares: African/African-American, 0.031%; 2 homozygotes.

Submissions (3):

Ambry Genetics
Classification: Likely benign for Inborn genetic diseases. Last evaluated: 2025-09-21. Review status: criteria provided, single submitter. Criteria: Ambry Variant Classification Scheme 2023. Collection method: clinical testing. Allele origin: germline.

Labcorp Genetics (formerly Invitae), Labcorp
Classification: Likely benign. Last evaluated: 2025-07-31. Review status: criteria provided, single submitter. Criteria: Invitae Variant Classification Sherloc (09022015). Collection method: clinical testing. Allele origin: germline.

Laboratory for Molecular Medicine, Mass General Brigham Personalized Medicine
Classification: Likely benign. Last evaluated: 2016-05-02. Review status: criteria provided, single submitter. Criteria: LMM Criteria. Collection method: clinical testing. Allele origin: germline. Observed: 1 variant allele.
Comment: p.Ala431Val in exon 8 of GPR98: This variant is not expected to have clinical s ignificance due to a lack of conservation across species, including mammals. Of note, >30 mammals have a valine (Val) at this position despite high nearby amino acid conservation. In addition, computational prediction tools do not suggest a high likelihood of impact to the protein. It has been identified in 1/9800 Afri can chromosomes by the Exome Aggregation Consortium (ExAC; dbSNP rs111723628).

NM_032119.4(ADGRV1):c.1292C>T (p.Ala431Val)

Gene: ADGRV1 (adhesion G protein-coupled receptor V1; plus strand). Cytogenetic location: 5q14.3.
Variant type: single nucleotide variant.
Coding change: c.1292C>T on transcript NM_032119.4 (MANE Select); coding-DNA position 1292, C replaced by T.
Protein change: p.Ala431Val; replaces alanine 431 with valine.
Molecular consequence: missense variant. On other transcripts: non-coding transcript variant (1).
Genome position (GRCh38, 1-based): chr5:90,628,615, C>T. VCF-style: chr5-90628615-C-T. GRCh37 (hg19) VCF-style: chr5-89924432-C-T.
Other names: short protein forms A431V.
Identifiers: ClinVar variation 504576 (VCV000504576.12), dbSNP rs111723628, ClinGen allele CA3338663.